The following is an entry in ClinVar:

NM_000091.5(COL4A3):c.433G>A (p.Gly145Arg)

Genes: MFF-DT (MFF divergent transcript; minus strand), COL4A3 (collagen type IV alpha 3 chain; plus strand). Cytogenetic location: 2q36.3.
Variant type: single nucleotide variant.
Coding change: c.433G>A on transcript NM_000091.5 (MANE Select); coding-DNA position 433, G replaced by A.
Protein change: p.Gly145Arg; replaces glycine 145 with arginine.
Molecular consequence: missense variant.
Genome position (GRCh38, 1-based): chr2:227,246,730, G>A. VCF-style: chr2-227246730-G-A. GRCh37 (hg19) VCF-style: chr2-228111446-G-A.
Other names: short protein forms G145R.
Identifiers: ClinVar variation 4526533 (VCV004526533.1).

ClinVar aggregate classification (germline): Likely pathogenic (1 of 4 stars; one submission).

Conditions:
Autosomal dominant Alport syndrome (ATS3A). Also called: Alport syndrome dominant type; Renal failure and sensorineural hearing loss; ALPORT SYNDROME 3A, AUTOSOMAL DOMINANT. Identifiers: Orphanet 63, Orphanet 88918, MedGen C5882663, MONDO:0007086, OMIM 104200.

gnomAD v4.1: 1 of 1,612,206 alleles (0.000062%); highest among the groups gnomAD compares: Non-Finnish European, 0.000085%; no homozygotes.

Submission:

MVZ Medizinische Genetik Mainz
Classification: Likely pathogenic for Autosomal dominant Alport syndrome. Last evaluated: 2024-06-27. Review status: criteria provided, single submitter. Criteria: UK Practice Guidelines For Variant Classification V4 01 2020. Collection method: clinical testing. Allele origin: germline. Inheritance: Autosomal dominant inheritance. Affected: yes. Observed: 1 variant allele.
Comment: ACMG Criteria: PM1_STR,PM2_SUP,PP3,PP4